The following is an entry in ClinVar:

NM_001004334.4(GPR179):c.5972G>A (p.Gly1991Glu)

Gene: GPR179 (G protein-coupled receptor 179; minus strand). Cytogenetic location: 17q12.
Variant type: single nucleotide variant.
Coding change: c.5972G>A on transcript NM_001004334.4 (MANE Select); coding-DNA position 5972, G replaced by A.
Protein change: p.Gly1991Glu; replaces glycine 1991 with glutamic acid.
Molecular consequence: missense variant.
Genome position (GRCh38, 1-based): chr17:38,327,597, C>T on the plus strand (G>A on the coding strand, the complement: GPR179 is on the minus strand). VCF-style: chr17-38327597-C-T. GRCh37 (hg19) VCF-style: chr17-36483480-C-T.
Other names: c.5972G>A (NM_001004334.2); short protein forms G1991E.
Identifiers: ClinVar variation 1371626 (VCV001371626.6), dbSNP rs535949081, ClinGen allele CA290103213.

ClinVar aggregate classification (germline): Uncertain significance. Review status: criteria provided, multiple submitters, no conflicts (2 of 4 stars). 2 submissions from 2 submitters: Uncertain significance (2). Last evaluated 2025-11-26.

Conditions:
Inborn genetic diseases. Identifiers: MedGen C0950123, MeSH D030342.

Allele frequency attached by ClinVar (database versions not stated): gnomAD 0.00004; gnomAD exomes 0.00012 and 0.00008; 1000 Genomes Project 0.00020; 1000 Genomes Project 30x 0.00016; ExAC 0.00020.
gnomAD v4.1: 115 of 1,614,186 alleles (0.0071%); highest among the groups gnomAD compares: South Asian, 0.13%; 1 homozygote.

Submissions (2):

Ambry Genetics
Classification: Uncertain significance for Inborn genetic diseases. Last evaluated: 2025-11-26. Review status: criteria provided, single submitter. Criteria: Ambry Variant Classification Scheme 2023. Collection method: clinical testing. Allele origin: germline.

Labcorp Genetics (formerly Invitae), Labcorp
Classification: Uncertain significance. Last evaluated: 2021-08-03. Review status: criteria provided, single submitter. Criteria: Invitae Variant Classification Sherloc (09022015). Collection method: clinical testing. Allele origin: germline.
Comment: This variant has not been reported in the literature in individuals affected with GPR179-related conditions. This sequence change replaces glycine with glutamic acid at codon 1991 of the GPR179 protein (p.Gly1991Glu). The glycine residue is weakly conserved and there is a moderate physicochemical difference between glycine and glutamic acid. This variant is present in population databases (rs535949081, ExAC 0.1%). Algorithms developed to predict the effect of missense changes on protein structure and function output the following: SIFT: "Tolerated"; PolyPhen-2: "Benign"; Align-GVGD: "Class C0". The glutamic acid amino acid residue is found in multiple mammalian species, which suggests that this missense change does not adversely affect protein function. In summary, the available evidence is currently insufficient to determine the role of this variant in disease. Therefore, it has been classified as a Variant of Uncertain Significance.